The following is an entry in ClinVar:

ClinVar aggregate classification (germline): Uncertain significance. Review status: criteria provided, multiple submitters, no conflicts (2 of 4 stars). 3 submissions from 3 submitters: Uncertain significance (3). Last evaluated 2026-06-16.

Conditions:
Cystic fibrosis (CF). Also called: MUCOVISCIDOSIS. Identifiers: Orphanet 586, MedGen C0010674, MONDO:0009061, OMIM 219700. Disease mechanism: loss of function.

Allele frequency attached by ClinVar (database versions not stated): TOPMed 0.00001; gnomAD exomes below 0.00001; ExAC 0.00001.
gnomAD v4.1: 2 of 1,614,120 alleles (0.00012%); highest among the groups gnomAD compares: East Asian, 0.0045%; no homozygotes.

Submissions (3):

Ambry Genetics
Classification: Uncertain significance for Cystic fibrosis. Last evaluated: 2026-06-16. Review status: criteria provided, single submitter. Criteria: Ambry Variant Classification Scheme 2023. Collection method: clinical testing. Allele origin: germline.
Comment: The p.V714L variant (also known as c.2140G>T), located in coding exon 14 of the CFTR gene, results from a G to T substitution at nucleotide position 2140. The valine at codon 714 is replaced by leucine, an amino acid with highly similar properties. This amino acid position is not well conserved in available vertebrate species. In addition, the in silico prediction for this alteration is inconclusive. Based on the available evidence, the clinical significance of this variant remains unclear.

GeneDx
Classification: Uncertain significance. Last evaluated: 2025-05-25. Review status: criteria provided, single submitter. Criteria: GeneDx Variant Classification Process June 2021. Collection method: clinical testing. Allele origin: germline. Affected: yes.
Comment: Not observed at significant frequency in large population cohorts (gnomAD); In silico analysis suggests that this missense variant does not alter protein structure/function; Has not been previously published as pathogenic or benign to our knowledge

Labcorp Genetics (formerly Invitae), Labcorp
Classification: Uncertain significance for Cystic fibrosis. Last evaluated: 2021-09-02. Review status: criteria provided, single submitter. Criteria: Invitae Variant Classification Sherloc (09022015). Collection method: clinical testing. Allele origin: germline.
Comment: This sequence change replaces valine with leucine at codon 714 of the CFTR protein (p.Val714Leu). The valine residue is weakly conserved and there is a small physicochemical difference between valine and leucine. This variant is present in population databases (rs774199624, ExAC 0.01%). This variant has not been reported in the literature in individuals affected with CFTR-related conditions. Algorithms developed to predict the effect of missense changes on protein structure and function (SIFT, PolyPhen-2, Align-GVGD) all suggest that this variant is likely to be tolerated. In summary, the available evidence is currently insufficient to determine the role of this variant in disease. Therefore, it has been classified as a Variant of Uncertain Significance.

NM_000492.4(CFTR):c.2140G>T (p.Val714Leu)

Gene: CFTR (CF transmembrane conductance regulator; plus strand). Cytogenetic location: 7q31.2.
Variant type: single nucleotide variant.
Coding change: c.2140G>T on transcript NM_000492.4 (MANE Select); coding-DNA position 2140, G replaced by T.
Protein change: p.Val714Leu; replaces valine 714 with leucine.
Molecular consequence: missense variant.
Genome position (GRCh38, 1-based): chr7:117,592,307, G>T. VCF-style: chr7-117592307-G-T. GRCh37 (hg19) VCF-style: chr7-117232361-G-T.
Other names: c.2140G>T (NM_000492.3); short protein forms V714L.
Identifiers: ClinVar variation 1401284 (VCV001401284.7), dbSNP rs774199624, ClinGen allele CA4451146.